The following is an entry in ClinVar:

NM_012433.4(SF3B1):c.1887T>A (p.Ala629=)

Gene: SF3B1 (splicing factor 3b subunit 1; minus strand). Cytogenetic location: 2q33.1.
Variant type: single nucleotide variant.
Coding change: c.1887T>A on transcript NM_012433.4 (MANE Select); coding-DNA position 1887, T replaced by A.
Protein change: p.Ala629=; no amino-acid change (alanine 629 retained).
Molecular consequence: synonymous variant.
Genome position (GRCh38, 1-based): chr2:197,402,746, A>T on the plus strand (T>A on the coding strand, the complement: SF3B1 is on the minus strand). VCF-style: chr2-197402746-A-T. GRCh37 (hg19) VCF-style: chr2-198267470-A-T.
Identifiers: ClinVar variation 4872391 (VCV004872391.2).
Genomic context (GRCh38, chr2:197,402,746, plus strand): 5'-TTTTAAGAAGGGCAATAAAGAAGGAATGCCCAGGGCAGAGGCTACAACAGCAAAAGCTCT[A>T]GCTGTTGTGTTACGGACATACTCATCCATGTTATCTATATCAGGTCTCATGGTAGAGATC-3'
Protein context (NP_036565.2, residues 619-639): NMDEYVRNTT[Ala629=]RAFAVVASAL

ClinVar aggregate classification (germline): Likely benign (1 of 4 stars; one submission).

Submission:

CeGaT Center for Human Genetics Tuebingen
Classification: Likely benign. Last evaluated: 2026-05-01. Review status: criteria provided, single submitter. Criteria: CeGaT Center For Human Genetics Tuebingen Variant Classification Criteria Version 2. Collection method: clinical testing. Allele origin: germline. Affected: yes. Observed: 1 variant allele.
Comment: SF3B1: PM2:Supporting, BP4, BP7